The following is an entry in ClinVar:

ClinVar aggregate classification (germline): Uncertain significance (1 of 4 stars; one submission).

Conditions:
Frasier syndrome. Identifiers: Orphanet 347, MedGen C0950122, MeSH D052159, MONDO:0007635, OMIM 136680.
Drash syndrome (DDS). Also called: WILMS TUMOR AND PSEUDO- OR TRUE HERMAPHRODITISM; NEPHROPATHY, WILMS TUMOR, AND GENITAL ANOMALIES. Identifiers: Orphanet 220, MedGen C0950121, MONDO:0008682, OMIM 194080.
Wilms tumor 1 (WT1). Also called: Wilms tumor, somatic. Identifiers: Orphanet 654, MedGen CN033288, MONDO:0008679, OMIM 194070.
11p partial monosomy syndrome (WAGR). Also called: WAGR syndrome; CHROMOSOME 11p13 DELETION SYNDROME; WAGR Complex; WAGR Spectrum Disorder. Identifiers: Orphanet 893, MedGen C0206115, MONDO:0008681, OMIM 194072.

Submission:

Labcorp Genetics (formerly Invitae), Labcorp
Classification: Uncertain significance for Wilms tumor 1; Drash syndrome; 11p partial monosomy syndrome; Frasier syndrome. Last evaluated: 2025-09-08. Review status: criteria provided, single submitter. Criteria: Invitae Variant Classification Sherloc (09022015). Collection method: clinical testing. Allele origin: germline.
Comment: This sequence change replaces aspartic acid, which is acidic and polar, with histidine, which is basic and polar, at codon 35 of the WT1 protein (p.Asp35His). This variant is not present in population databases (gnomAD no frequency). This variant has not been reported in the literature in individuals affected with WT1-related conditions. ClinVar contains an entry for this variant (Variation ID: 861779). Invitae Evidence Modeling of protein sequence and biophysical properties (such as structural, functional, and spatial information, amino acid conservation, physicochemical variation, residue mobility, and thermodynamic stability) has been performed for this missense variant. However, the output from this modeling did not meet the statistical confidence thresholds required to predict the impact of this variant on WT1 protein function. In summary, the available evidence is currently insufficient to determine the role of this variant in disease. Therefore, it has been classified as a Variant of Uncertain Significance.

NM_024426.6(WT1):c.118G>C (p.Asp40His)

Genes: WT1 (WT1 transcription factor; minus strand), LOC107982234 (WT1/WT1-AS bi-directional promoter region; plus strand). Cytogenetic location: 11p13.
Variant type: single nucleotide variant.
Coding change: c.118G>C on transcript NM_024426.6 (MANE Select); coding-DNA position 118, G replaced by C.
Protein change: p.Asp40His; replaces aspartic acid 40 with histidine.
Molecular consequence: missense variant. On other transcripts: non-coding transcript variant (1).
Genome position (GRCh38, 1-based): chr11:32,435,243, C>G on the plus strand (G>C on the coding strand, the complement: WT1 is on the minus strand). VCF-style: chr11-32435243-C-G. GRCh37 (hg19) VCF-style: chr11-32456789-C-G.
Other names: c.118G>C, p.Asp40His (NM_000378.6, NM_024424.5); short protein forms D40H.
Identifiers: ClinVar variation 861779 (VCV000861779.9), dbSNP rs1853477193, ClinGen allele CA379966348.